The following is an entry in ClinVar:

NM_001101.5(ACTB):c.624C>T (p.Ile208=)

Gene: ACTB (actin beta; minus strand). Cytogenetic location: 7p22.1.
Variant type: single nucleotide variant.
Coding change: c.624C>T on transcript NM_001101.5 (MANE Select); coding-DNA position 624, C replaced by T.
Protein change: p.Ile208=; no amino-acid change (isoleucine 208 retained).
Molecular consequence: synonymous variant.
Genome position (GRCh38, 1-based): chr7:5,528,459, G>A on the plus strand (C>T on the coding strand, the complement: ACTB is on the minus strand). VCF-style: chr7-5528459-G-A. GRCh37 (hg19) VCF-style: chr7-5568090-G-A.
Other names: c.624C>T (NM_001101.3).
Identifiers: ClinVar variation 1667090 (VCV001667090.9), dbSNP rs144865943, ClinGen allele CA4146979.
Genomic context (GRCh38, chr7:5,528,459, plus strand): 5'-GGCCATCTCTTGCTCGAAGTCCAGGGCGACGTAGCACAGCTTCTCCTTAATGTCACGCAC[G>A]ATTTCCCGCTCGGCCGTGGTGGTGAAGCTGTAGCCGCGCTCGGTGAGGATCTTCATGAGG-3'
Protein context (NP_001092.1, residues 198-218): YSFTTTAERE[Ile208=]VRDIKEKLCY

ClinVar aggregate classification (germline): Likely benign. Review status: criteria provided, single submitter (1 of 4 stars). 2 submissions from 2 submitters: Likely benign (1). 1 of the submissions does not count toward it. Last evaluated 2025-08-07.

Conditions:
ACTB-related disorder. Also called: ACTB-related disorders; ACTB-related condition.
Baraitser-Winter syndrome 1 (BRWS1). Also called: PACHYGYRIA, MENTAL RETARDATION, EPILEPSY, AND CHARACTERISTIC FACIES; MENTAL RETARDATION WITH EPILEPSY AND CHARACTERISTIC FACIES; Cerebrofrontofacial syndrome; BARAITSER-WINTER SYNDROME 1, ATYPICAL. Identifiers: Orphanet 2649, Orphanet 2995, MedGen C1855722, MONDO:0009470, OMIM 243310.

Allele frequency attached by ClinVar (database versions not stated): ExAC 0.00006; gnomAD exomes 0.00006; TOPMed 0.00008; gnomAD 0.00009; 1000 Genomes Project 30x 0.00031; 1000 Genomes Project 0.00040.
gnomAD v4.1: 50 of 1,614,112 alleles (0.0031%); highest among the groups gnomAD compares: African/African-American, 0.02%; no homozygotes.

Submissions (2):

Labcorp Genetics (formerly Invitae), Labcorp
Classification: Likely benign for Baraitser-Winter syndrome 1. Last evaluated: 2025-08-07. Review status: criteria provided, single submitter. Criteria: Invitae Variant Classification Sherloc (09022015). Collection method: clinical testing. Allele origin: germline.

PreventionGenetics, part of Exact Sciences
Classification: Likely benign for ACTB-related condition. Last evaluated: 2024-06-13. Review status: no assertion criteria provided. Collection method: clinical testing. Allele origin: germline. Not counted in ClinVar's aggregate classification.
Comment: This variant is classified as likely benign based on ACMG/AMP sequence variant interpretation guidelines (Richards et al. 2015 PMID: 25741868, with internal and published modifications).